The following is an entry in ClinVar:

NM_198282.4(STING1):c.418G>A (p.Ala140Thr)

Gene: STING1 (stimulator of interferon response cGAMP interactor 1; minus strand). Cytogenetic location: 5q31.2.
Variant type: single nucleotide variant.
Coding change: c.418G>A on transcript NM_198282.4 (MANE Select); coding-DNA position 418, G replaced by A.
Protein change: p.Ala140Thr; replaces alanine 140 with threonine.
Molecular consequence: missense variant.
Genome position (GRCh38, 1-based): chr5:139,480,892, C>T on the plus strand (G>A on the coding strand, the complement: STING1 is on the minus strand). VCF-style: chr5-139480892-C-T. GRCh37 (hg19) VCF-style: chr5-138860477-C-T.
Other names: c.418G>A, p.Ala140Thr (NM_001301738.2); c.61G>A, p.Ala21Thr (NM_001367258.1); short protein forms A140T, A21T.
Identifiers: ClinVar variation 1017009 (VCV001017009.9), dbSNP rs1370637313, ClinGen allele CA361481132.

ClinVar aggregate classification (germline): Uncertain significance (1 of 4 stars; one submission).

Conditions:
STING-associated vasculopathy with onset in infancy. Also called: Sting-associated vasculopathy, infantile-onset. Identifiers: Orphanet 425120, MedGen C4014722, MONDO:0014405, OMIM 615934.

Allele frequency attached by ClinVar (database versions not stated): gnomAD exomes below 0.00001; TOPMed 0.00002; gnomAD 0.00001.

Submission:

Labcorp Genetics (formerly Invitae), Labcorp
Classification: Uncertain significance for STING-associated vasculopathy with onset in infancy. Last evaluated: 2025-08-03. Review status: criteria provided, single submitter. Criteria: Invitae Variant Classification Sherloc (09022015). Collection method: clinical testing. Allele origin: germline.
Comment: This sequence change replaces alanine, which is neutral and non-polar, with threonine, which is neutral and polar, at codon 140 of the TMEM173 protein (p.Ala140Thr). This variant is present in population databases (no rsID available, gnomAD 0.0009%). This variant has not been reported in the literature in individuals affected with TMEM173-related conditions. ClinVar contains an entry for this variant (Variation ID: 1017009). Invitae Evidence Modeling of protein sequence and biophysical properties (such as structural, functional, and spatial information, amino acid conservation, physicochemical variation, residue mobility, and thermodynamic stability) indicates that this missense variant is not expected to disrupt TMEM173 protein function with a negative predictive value of 80%. In summary, the available evidence is currently insufficient to determine the role of this variant in disease. Therefore, it has been classified as a Variant of Uncertain Significance.